The following is an entry in ClinVar:

NM_033109.5(PNPT1):c.1973A>G (p.His658Arg)

Gene: PNPT1 (polyribonucleotide nucleotidyltransferase 1; minus strand). Cytogenetic location: 2p16.1.
Variant type: single nucleotide variant.
Coding change: c.1973A>G on transcript NM_033109.5 (MANE Select); coding-DNA position 1973, A replaced by G.
Protein change: p.His658Arg; replaces histidine 658 with arginine.
Molecular consequence: missense variant.
Genome position (GRCh38, 1-based): chr2:55,643,359, T>C on the plus strand (A>G on the coding strand, the complement: PNPT1 is on the minus strand). VCF-style: chr2-55643359-T-C. GRCh37 (hg19) VCF-style: chr2-55870494-T-C.
Other names: c.1973A>G (NM_033109.3); short protein forms H658R.
Identifiers: ClinVar variation 1901061 (VCV001901061.3), dbSNP rs545932442, ClinGen allele CA1667861.

ClinVar aggregate classification (germline): Uncertain significance. Review status: criteria provided, multiple submitters, no conflicts (2 of 4 stars). 2 submissions from 2 submitters: Uncertain significance (2). Last evaluated 2025-05-07.

Conditions:
Inborn genetic diseases. Identifiers: MedGen C0950123, MeSH D030342.

Allele frequency attached by ClinVar (database versions not stated): 1000 Genomes Project 30x 0.00016; 1000 Genomes Project 0.00020; gnomAD exomes 0.00001; ExAC 0.00002.
gnomAD v4.1: 18 of 1,614,246 alleles (0.0011%); highest among the groups gnomAD compares: South Asian, 0.016%; no homozygotes.

Submissions (2):

Ambry Genetics
Classification: Uncertain significance for Inborn genetic diseases. Last evaluated: 2025-05-07. Review status: criteria provided, single submitter. Criteria: Ambry Variant Classification Scheme 2023. Collection method: clinical testing. Allele origin: germline.

Labcorp Genetics (formerly Invitae), Labcorp
Classification: Uncertain significance. Last evaluated: 2022-07-14. Review status: criteria provided, single submitter. Criteria: Invitae Variant Classification Sherloc (09022015). Collection method: clinical testing. Allele origin: germline.
Comment: This sequence change replaces histidine, which is basic and polar, with arginine, which is basic and polar, at codon 658 of the PNPT1 protein (p.His658Arg). This variant is present in population databases (rs545932442, gnomAD 0.03%). This variant has not been reported in the literature in individuals affected with PNPT1-related conditions. Advanced modeling of protein sequence and biophysical properties (such as structural, functional, and spatial information, amino acid conservation, physicochemical variation, residue mobility, and thermodynamic stability) performed at Invitae indicates that this missense variant is not expected to disrupt PNPT1 protein function. Algorithms developed to predict the effect of sequence changes on RNA splicing suggest that this variant may create or strengthen a splice site. In summary, the available evidence is currently insufficient to determine the role of this variant in disease. Therefore, it has been classified as a Variant of Uncertain Significance.